The following is an entry in ClinVar:

ClinVar aggregate classification (germline): Uncertain significance (1 of 4 stars; one submission).

gnomAD v4.1: 2 of 1,612,988 alleles (0.00012%); highest among the groups gnomAD compares: Non-Finnish European, 0.00017%; no homozygotes.

Submission:

Labcorp Genetics (formerly Invitae), Labcorp
Classification: Uncertain significance. Last evaluated: 2025-03-10. Review status: criteria provided, single submitter. Criteria: Invitae Variant Classification Sherloc (09022015). Collection method: clinical testing. Allele origin: germline.
Comment: This sequence change replaces serine, which is neutral and polar, with isoleucine, which is neutral and non-polar, at codon 250 of the EDNRB protein (p.Ser250Ile). This variant is present in population databases (rs754807912, gnomAD 0.0009%). This variant has not been reported in the literature in individuals affected with EDNRB-related conditions. An algorithm developed to predict the effect of missense changes on protein structure and function (PolyPhen-2) suggests that this variant is likely to be tolerated. In summary, the available evidence is currently insufficient to determine the role of this variant in disease. Therefore, it has been classified as a Variant of Uncertain Significance.

NM_001122659.3(EDNRB):c.749G>T (p.Ser250Ile)

Genes: EDNRB (endothelin receptor type B; minus strand), EDNRB-AS1 (EDNRB antisense RNA 1; plus strand). Cytogenetic location: 13q22.3.
Variant type: single nucleotide variant.
Coding change: c.749G>T on transcript NM_001122659.3 (MANE Select); coding-DNA position 749, G replaced by T.
Protein change: p.Ser250Ile; replaces serine 250 with isoleucine.
Molecular consequence: missense variant.
Genome position (GRCh38, 1-based): chr13:77,903,208, C>A on the plus strand (G>T on the coding strand, the complement: EDNRB is on the minus strand). VCF-style: chr13-77903208-C-A. GRCh37 (hg19) VCF-style: chr13-78477343-C-A.
Other names: c.749G>T, p.Ser250Ile (NM_000115.5, NM_003991.4); c.1019G>T, p.Ser340Ile (NM_001201397.2); short protein forms S340I, S250I.
Identifiers: ClinVar variation 4714756 (VCV004714756.1).